The following is an entry in ClinVar:

ClinVar aggregate classification (germline): Uncertain significance (1 of 4 stars; one submission).

Allele frequency attached by ClinVar (database versions not stated): gnomAD exomes below 0.00001; TOPMed 0.00001; ExAC 0.00002; gnomAD 0.00002.
gnomAD v4.1: 10 of 1,614,048 alleles (0.00062%); highest among the groups gnomAD compares: East Asian, 0.0022%; no homozygotes.

Submission:

Labcorp Genetics (formerly Invitae), Labcorp
Classification: Uncertain significance. Last evaluated: 2024-12-02. Review status: criteria provided, single submitter. Criteria: Invitae Variant Classification Sherloc (09022015). Collection method: clinical testing. Allele origin: germline.
Comment: This sequence change replaces arginine, which is basic and polar, with histidine, which is basic and polar, at codon 1851 of the COL27A1 protein (p.Arg1851His). This variant is present in population databases (rs755653170, gnomAD 0.006%). This variant has not been reported in the literature in individuals affected with COL27A1-related conditions. ClinVar contains an entry for this variant (Variation ID: 2736435). Invitae Evidence Modeling of protein sequence and biophysical properties (such as structural, functional, and spatial information, amino acid conservation, physicochemical variation, residue mobility, and thermodynamic stability) indicates that this missense variant is not expected to disrupt COL27A1 protein function with a negative predictive value of 80%. In summary, the available evidence is currently insufficient to determine the role of this variant in disease. Therefore, it has been classified as a Variant of Uncertain Significance.

NM_032888.4(COL27A1):c.5552G>A (p.Arg1851His)

Gene: COL27A1 (collagen type XXVII alpha 1 chain; plus strand). Cytogenetic location: 9q32.
Variant type: single nucleotide variant.
Coding change: c.5552G>A on transcript NM_032888.4 (MANE Select); coding-DNA position 5552, G replaced by A.
Protein change: p.Arg1851His; replaces arginine 1851 with histidine.
Molecular consequence: missense variant.
Genome position (GRCh38, 1-based): chr9:114,310,664, G>A. VCF-style: chr9-114310664-G-A. GRCh37 (hg19) VCF-style: chr9-117072944-G-A.
Other names: short protein forms R1851H.
Identifiers: ClinVar variation 2736435 (VCV002736435.3), dbSNP rs755653170, ClinGen allele CA5203441.